The following is an entry in ClinVar:

ClinVar aggregate classification (germline): Uncertain significance. Review status: criteria provided, multiple submitters, no conflicts (2 of 4 stars). 3 submissions from 3 submitters: Uncertain significance (3). Last evaluated 2025-10-02.

Conditions:
Hereditary cancer-predisposing syndrome. Also called: Hereditary neoplastic syndrome; Hereditary Cancer Syndrome; Neoplastic Syndromes, Hereditary; Tumor predisposition. Identifiers: Orphanet 140162, MedGen C0027672, MeSH D009386, MONDO:0015356.
Familial adenomatous polyposis 2. Also called: MYH-associated polyposis; COLORECTAL ADENOMATOUS POLYPOSIS, AUTOSOMAL RECESSIVE; ADENOMAS, MULTIPLE COLORECTAL, AUTOSOMAL RECESSIVE; MUTYH-related attenuated familial adenomatous polyposis; Adenomas, multiple colorectal; FAP type 2. Identifiers: Orphanet 220460, Orphanet 247798, MedGen C3272841, MONDO:0012041, OMIM 608456.

gnomAD v4.1: 1 of 1,614,134 alleles (0.000062%); highest among the groups gnomAD compares: Non-Finnish European, 0.000085%; no homozygotes.

Submissions (3):

Color Diagnostics, LLC DBA Color Health
Classification: Uncertain significance for Hereditary cancer-predisposing syndrome. Last evaluated: 2025-10-02. Review status: criteria provided, single submitter. Criteria: ACMG Guidelines, 2015. Collection method: clinical testing. Allele origin: germline.
Comment: This missense variant, also known as c.724G>T (p.Val242Leu) based on a different transcript, replaces valine with leucine at codon 270 of the MUTYH protein. Computational prediction suggests that this variant may have deleterious impact on protein structure and function. To our knowledge, functional studies have not been reported for this variant. This variant has been reported in individuals affected with suspected Lynch syndrome (PMID: 25980754) and colorectal adenoma (PMID: 31104418). This variant has been identified in 1/1461812 chromosomes in the general population by the Genome Aggregation Database (gnomAD). The available evidence is insufficient to determine the role of this variant in disease conclusively. Therefore, this variant is classified as a Variant of Uncertain Significance.

Labcorp Genetics (formerly Invitae), Labcorp
Classification: Uncertain significance for Familial adenomatous polyposis 2. Last evaluated: 2024-11-22. Review status: criteria provided, single submitter. Criteria: Invitae Variant Classification Sherloc (09022015). Collection method: clinical testing. Allele origin: germline.
Comment: This sequence change replaces valine, which is neutral and non-polar, with leucine, which is neutral and non-polar, at codon 270 of the MUTYH protein (p.Val270Leu). This variant is not present in population databases (gnomAD no frequency). This missense change has been observed in individual(s) with clinical features of Lynch syndrome (PMID: 25980754). This variant is also known as c.724G>T (p.Val242Leu) . ClinVar contains an entry for this variant (Variation ID: 481792). An algorithm developed to predict the effect of missense changes on protein structure and function (PolyPhen-2) suggests that this variant is likely to be disruptive. In summary, the available evidence is currently insufficient to determine the role of this variant in disease. Therefore, it has been classified as a Variant of Uncertain Significance.

Ambry Genetics
Classification: Uncertain significance for Hereditary cancer-predisposing syndrome. Last evaluated: 2024-10-25. Review status: criteria provided, single submitter. Criteria: Ambry Variant Classification Scheme 2023. Collection method: clinical testing. Allele origin: germline.
Comment: The p.V270L variant (also known as c.808G>C), located in coding exon 10 of the MUTYH gene, results from a G to C substitution at nucleotide position 808. The valine at codon 270 is replaced by leucine, an amino acid with highly similar properties. Based on protein sequence alignment, this amino acid position is highly conserved in available vertebrate species. In addition, this alteration is predicted to be deleterious by in silico analysis. Since supporting evidence is limited at this time, the clinical significance of this alteration remains unclear.

Literature cited by the submitters: PubMed 25980754 (cited by Color Diagnostics, LLC DBA Color Health and Labcorp Genetics (formerly Invitae), Labcorp); PubMed 31104418 (cited by Color Diagnostics, LLC DBA Color Health).

NM_001048174.2(MUTYH):c.724G>C (p.Val242Leu)

Gene: MUTYH (mutY DNA glycosylase; minus strand). Cytogenetic location: 1p34.1.
Variant type: single nucleotide variant.
Coding change: c.724G>C on transcript NM_001048174.2 (MANE Select); coding-DNA position 724, G replaced by C.
Protein change: p.Val242Leu; replaces valine 242 with leucine.
Molecular consequence: missense variant. On other transcripts: non-coding transcript variant (2).
Genome position (GRCh38, 1-based): chr1:45,332,291, C>G on the plus strand (G>C on the coding strand, the complement: MUTYH is on the minus strand). VCF-style: chr1-45332291-C-G. GRCh37 (hg19) VCF-style: chr1-45797963-C-G.
Other names: c.724G>C, p.Val242Leu (NM_001048171.2, NM_001048173.2, NM_001293195.2); c.727G>C, p.Val243Leu (NM_001048172.2); c.808G>C, p.Val270Leu (NM_001128425.2); c.769G>C, p.Val257Leu (NM_001293190.2); c.757G>C, p.Val253Leu (NM_001293191.2); c.448G>C, p.Val150Leu (NM_001293192.2, NM_001293196.2); c.379G>C, p.Val127Leu (NM_001350650.2, NM_001350651.2); c.799G>C, p.Val267Leu (NM_012222.3); short protein forms V270L, V242L, V257L, V267L, V127L, V150L, V243L, V253L.
Identifiers: ClinVar variation 481792 (VCV000481792.11), dbSNP rs765046399, ClinGen allele CA340134692.
Genomic context (GRCh38, chr1:45,332,291, plus strand): 5'-ACACTGTGGCCCCTAGCTCCATGGCTGCTTGGTTGAAATCTCCTGGCCGGGCTGGGTCCA[C>G]CAGCTGCTGGGCTAGACCCCTAAAAGAAGGGAACACTGCTGTGAAGCAGAGCTCCTTTGC-3'
Protein context (NP_001041639.1, residues 232-252): QQLWGLAQQL[Val242Leu]DPARPGDFNQ